The following is an entry in ClinVar:

ClinVar aggregate classification (germline): Uncertain significance. Review status: criteria provided, multiple submitters, no conflicts (2 of 4 stars). 2 submissions from 2 submitters: Uncertain significance (2). Last evaluated 2025-05-25.

Conditions:
Inborn genetic diseases. Identifiers: MedGen C0950123, MeSH D030342.
Immunodeficiency 28 (IMD28). Also called: IFNGR2 DEFICIENCY. Identifiers: Orphanet 319547, Orphanet 319574, MedGen C4013947, MONDO:0013953, OMIM 614889.

Allele frequency attached by ClinVar (database versions not stated): gnomAD 0.00001; ExAC 0.00003; gnomAD exomes 0.00002.
gnomAD v4.1: 42 of 1,613,756 alleles (0.0026%); highest among the groups gnomAD compares: Middle Eastern, 0.016%; no homozygotes.

Submissions (2):

Ambry Genetics
Classification: Uncertain significance for Inborn genetic diseases. Last evaluated: 2025-05-25. Review status: criteria provided, single submitter. Criteria: Ambry Variant Classification Scheme 2023. Collection method: clinical testing. Allele origin: germline.

Labcorp Genetics (formerly Invitae), Labcorp
Classification: Uncertain significance for Immunodeficiency 28. Last evaluated: 2022-07-26. Review status: criteria provided, single submitter. Criteria: Invitae Variant Classification Sherloc (09022015). Collection method: clinical testing. Allele origin: germline.
Comment: This sequence change replaces valine, which is neutral and non-polar, with isoleucine, which is neutral and non-polar, at codon 316 of the IFNGR2 protein (p.Val316Ile). This variant is present in population databases (rs766433285, gnomAD 0.008%). This variant has not been reported in the literature in individuals affected with IFNGR2-related conditions. ClinVar contains an entry for this variant (Variation ID: 1399903). Algorithms developed to predict the effect of missense changes on protein structure and function (SIFT, PolyPhen-2, Align-GVGD) all suggest that this variant is likely to be tolerated. In summary, the available evidence is currently insufficient to determine the role of this variant in disease. Therefore, it has been classified as a Variant of Uncertain Significance.

NM_005534.4(IFNGR2):c.946G>A (p.Val316Ile)

Genes: TMEM50B (transmembrane protein 50B; minus strand), IFNGR2 (interferon gamma receptor 2; plus strand). Cytogenetic location: 21q22.11.
Variant type: single nucleotide variant.
Coding change: c.946G>A on transcript NM_005534.4 (MANE Select); coding-DNA position 946, G replaced by A.
Protein change: p.Val316Ile; replaces valine 316 with isoleucine.
Molecular consequence: missense variant.
Genome position (GRCh38, 1-based): chr21:33,436,894, G>A. VCF-style: chr21-33436894-G-A. GRCh37 (hg19) VCF-style: chr21-34809201-G-A.
Other names: c.1003G>A, p.Val335Ile (NM_001329128.2); c.946G>A (NM_005534.3); short protein forms V316I, V335I.
Identifiers: ClinVar variation 1399903 (VCV001399903.4), dbSNP rs766433285, ClinGen allele CA10007077.
Genomic context (GRCh38, chr21:33,436,894, plus strand): 5'-AAAGACCCAACTCAGCCCATCTTAGAGGCCTTGGACAAGGACAGCTCACCAAAGGATGAC[G>A]TCTGGGACTCTGTGTCCATTATCTCGTTTCCGGAAAAGGAGCAAGAAGATGTTCTCCAAA-3'
Protein context (NP_005525.2, residues 306-326): LDKDSSPKDD[Val316Ile]WDSVSIISFP